The following is an entry in ClinVar:

ClinVar aggregate classification (germline): Pathogenic (1 of 4 stars; one submission).

Allele frequency attached by ClinVar (database versions not stated): TOPMed below 0.00001.
gnomAD v4.1: 1 of 1,613,806 alleles (0.000062%); highest among the groups gnomAD compares: Non-Finnish European, 0.000085%; no homozygotes.

Submission:

Labcorp Genetics (formerly Invitae), Labcorp
Classification: Pathogenic. Last evaluated: 2023-08-23. Review status: criteria provided, single submitter. Criteria: Invitae Variant Classification Sherloc (09022015). Collection method: clinical testing. Allele origin: germline.
Comment: For these reasons, this variant has been classified as Pathogenic. This variant has not been reported in the literature in individuals affected with LRP6-related conditions. This variant is not present in population databases (gnomAD no frequency). This sequence change creates a premature translational stop signal (p.Arg473*) in the LRP6 gene. It is expected to result in an absent or disrupted protein product. Loss-of-function variants in LRP6 are known to be pathogenic (PMID: 26387593).

Literature cited by the submitters: PubMed 26387593.

NM_002336.3(LRP6):c.1417C>T (p.Arg473Ter)

Gene: LRP6 (LDL receptor related protein 6; minus strand). Cytogenetic location: 12p13.2.
Variant type: single nucleotide variant.
Coding change: c.1417C>T on transcript NM_002336.3 (MANE Select); coding-DNA position 1417, C replaced by T.
Protein change: p.Arg473Ter; replaces arginine 473 with a stop codon.
Molecular consequence: nonsense. On other transcripts: non-coding transcript variant (1).
Genome position (GRCh38, 1-based): chr12:12,179,938, G>A on the plus strand (C>T on the coding strand, the complement: LRP6 is on the minus strand). VCF-style: chr12-12179938-G-A. GRCh37 (hg19) VCF-style: chr12-12332872-G-A.
Other names: c.1417C>T, p.Arg473Ter (NM_001414244.1, NM_001414245.1, NM_001414246.1 and 5 more transcripts); c.1219C>T, p.Arg407Ter (NM_001414247.1); c.964C>T, p.Arg322Ter (NM_001414252.1, NM_001414253.1, NM_001414254.1); short protein forms R322*, R473*, R407*.
Identifiers: ClinVar variation 2754681 (VCV002754681.3), dbSNP rs761704205, ClinGen allele CA383949852.